The following is an entry in ClinVar:

ClinVar aggregate classification (germline): Uncertain significance (1 of 4 stars; one submission).

Allele frequency attached by ClinVar (database versions not stated): ExAC 0.00001; gnomAD exomes 0.00001 and 0.00003; gnomAD 0.00002; TOPMed 0.00002.
gnomAD v4.1: 50 of 1,614,126 alleles (0.0031%); highest among the groups gnomAD compares: Non-Finnish European, 0.0042%; no homozygotes.

Submission:

ARUP Laboratories, Molecular Genetics and Genomics, ARUP Laboratories
Classification: Uncertain significance. Last evaluated: 2019-04-27. Review status: criteria provided, single submitter. Criteria: ARUP Molecular Germline Variant Investigation Process. Collection method: clinical testing. Allele origin: germline.
Comment: The TECTA c.3739A>C; p.Asn1247His variant (rs781691033), to our knowledge, has not been reported in the medical literature or gene specific databases. This variant is found in the general population with an allele frequency in non-Finnish Europeans of 0.002% (2/113,768 alleles) in the Genome Aggregation Database. The asparagine at codon 1247 is highly conserved (Alamut v.2.11) and computational analyses (SIFT, PolyPhen-2) predict that this variant is deleterious. However, based on the available information, the clinical significance of this variant is uncertain.

NM_005422.4(TECTA):c.3739A>C (p.Asn1247His)

Genes: TBCEL-TECTA (TBCEL-TECTA readthrough; plus strand), TECTA (tectorin alpha; plus strand). Cytogenetic location: 11q23.3.
Variant type: single nucleotide variant.
Coding change: c.3739A>C on transcript NM_005422.4 (MANE Select); coding-DNA position 3739, A replaced by C.
Protein change: p.Asn1247His; replaces asparagine 1247 with histidine.
Molecular consequence: missense variant.
Genome position (GRCh38, 1-based): chr11:121,145,750, A>C. VCF-style: chr11-121145750-A-C. GRCh37 (hg19) VCF-style: chr11-121016459-A-C.
Other names: c.4696A>C, p.Asn1566His (NM_001378761.1); short protein forms N1247H, N1566H.
Identifiers: ClinVar variation 811378 (VCV000811378.8), dbSNP rs781691033, ClinGen allele CA6327283.